The following is an entry in ClinVar:

NM_005733.3(KIF20A):c.716C>A (p.Thr239Asn)

Gene: KIF20A (kinesin family member 20A; plus strand). Cytogenetic location: 5q31.2.
Variant type: single nucleotide variant.
Coding change: c.716C>A on transcript NM_005733.3 (MANE Select); coding-DNA position 716, C replaced by A.
Protein change: p.Thr239Asn; replaces threonine 239 with asparagine.
Molecular consequence: missense variant.
Genome position (GRCh38, 1-based): chr5:138,182,874, C>A. VCF-style: chr5-138182874-C-A. GRCh37 (hg19) VCF-style: chr5-137518563-C-A.
Other names: short protein forms T239N.
Identifiers: ClinVar variation 2082454 (VCV002082454.4), dbSNP rs571617605, ClinGen allele CA3426386.

ClinVar aggregate classification (germline): Uncertain significance (1 of 4 stars; one submission).

Allele frequency attached by ClinVar (database versions not stated): ExAC 0.00001; 1000 Genomes Project 30x 0.00016; 1000 Genomes Project 0.00020.

Submission:

Labcorp Genetics (formerly Invitae), Labcorp
Classification: Uncertain significance. Last evaluated: 2025-03-09. Review status: criteria provided, single submitter. Criteria: Invitae Variant Classification Sherloc (09022015). Collection method: clinical testing. Allele origin: germline.
Comment: This sequence change replaces threonine, which is neutral and polar, with asparagine, which is neutral and polar, at codon 239 of the KIF20A protein (p.Thr239Asn). This variant is present in population databases (rs571617605, gnomAD 0.003%). This variant has not been reported in the literature in individuals affected with KIF20A-related conditions. ClinVar contains an entry for this variant (Variation ID: 2082454). An algorithm developed to predict the effect of missense changes on protein structure and function outputs the following: PolyPhen-2: "Benign". The asparagine amino acid residue is found in multiple mammalian species, which suggests that this missense change does not adversely affect protein function. In summary, the available evidence is currently insufficient to determine the role of this variant in disease. Therefore, it has been classified as a Variant of Uncertain Significance.